The following is an entry in ClinVar:

ClinVar aggregate classification (germline): Conflicting classifications of pathogenicity. Review status: criteria provided, conflicting classifications (1 of 4 stars). 3 submissions from 3 submitters: Uncertain significance (2); Likely benign (1). Last evaluated 2025-06-18.

Conditions:
Cardiovascular phenotype. Identifiers: MedGen CN230736.

gnomAD v4.1: 9 of 1,614,226 alleles (0.00056%); highest among the groups gnomAD compares: Non-Finnish European, 0.00076%; no homozygotes.

Submissions (3):

Labcorp Genetics (formerly Invitae), Labcorp
Classification: Uncertain significance. Last evaluated: 2025-06-18. Review status: criteria provided, single submitter. Criteria: Invitae Variant Classification Sherloc (09022015). Collection method: clinical testing. Allele origin: germline.
Comment: This sequence change replaces threonine, which is neutral and polar, with isoleucine, which is neutral and non-polar, at codon 283 of the ALPK3 protein (p.Thr283Ile). This variant is present in population databases (rs200384082, gnomAD 0.0009%). This variant has not been reported in the literature in individuals affected with ALPK3-related conditions. ClinVar contains an entry for this variant (Variation ID: 3725745). An algorithm developed to predict the effect of missense changes on protein structure and function (PolyPhen-2) suggests that this variant is likely to be disruptive. In summary, the available evidence is currently insufficient to determine the role of this variant in disease. Therefore, it has been classified as a Variant of Uncertain Significance.

Molecular Diagnostic Laboratory for Inherited Cardiovascular Disease, Montreal Heart Institute
Classification: Likely benign. Last evaluated: 2025-04-09. Review status: criteria provided, single submitter. Criteria: ACMG Guidelines, 2015. Collection method: clinical testing. Allele origin: germline. Affected: no.
Comment: BS1;BP4

Ambry Genetics
Classification: Uncertain significance for Cardiovascular phenotype. Last evaluated: 2025-01-31. Review status: criteria provided, single submitter. Criteria: Ambry Variant Classification Scheme 2023. Collection method: clinical testing. Allele origin: germline.
Comment: The p.T283I variant (also known as c.848C>T), located in coding exon 3 of the ALPK3 gene, results from a C to T substitution at nucleotide position 848. The threonine at codon 283 is replaced by isoleucine, an amino acid with similar properties. This amino acid position is conserved. In addition, this alteration is predicted to be tolerated by in silico analysis. Based on the available evidence, the clinical significance of this variant remains unclear.

NM_020778.5(ALPK3):c.242C>T (p.Thr81Ile)

Gene: ALPK3 (alpha kinase 3; plus strand). Cytogenetic location: 15q25.3.
Variant type: single nucleotide variant.
Coding change: c.242C>T on transcript NM_020778.5 (MANE Select); coding-DNA position 242, C replaced by T.
Protein change: p.Thr81Ile; replaces threonine 81 with isoleucine.
Molecular consequence: missense variant.
Genome position (GRCh38, 1-based): chr15:84,827,543, C>T. VCF-style: chr15-84827543-C-T. GRCh37 (hg19) VCF-style: chr15-85370774-C-T.
Other names: c.848C>T (NM_020778.4); short protein forms T81I.
Identifiers: ClinVar variation 3725745 (VCV003725745.4), dbSNP rs200966727.